The following is an entry in ClinVar:

NM_001042492.3(NF1):c.4658C>T (p.Pro1553Leu)

Gene: NF1 (neurofibromin 1; plus strand). Cytogenetic location: 17q11.2.
Variant type: single nucleotide variant.
Coding change: c.4658C>T on transcript NM_001042492.3 (MANE Select); coding-DNA position 4658, C replaced by T.
Protein change: p.Pro1553Leu; replaces proline 1553 with leucine.
Molecular consequence: missense variant.
Genome position (GRCh38, 1-based): chr17:31,261,791, C>T. VCF-style: chr17-31261791-C-T. GRCh37 (hg19) VCF-style: chr17-29588809-C-T.
Other names: c.4595C>T, p.Pro1532Leu (NM_000267.4); short protein forms P1532L, P1553L.
Identifiers: ClinVar variation 2872317 (VCV002872317.3), dbSNP rs1597748857, ClinGen allele CA399000400.
Genomic context (GRCh38, chr17:31,261,791, plus strand): 5'-GACGACCTTTTGATAAGATGGCAACACTTCTTGCATACCTGGGTCCTCCAGAGCACAAAC[C>T]TGTGGCAGATACACACTGGTCCAGCCTTAACCTTACCAGTTCAAAGTTTGAGGAATTTAT-3'
Protein context (NP_001035957.1, residues 1543-1563): LAYLGPPEHK[Pro1553Leu]VADTHWSSLN

ClinVar aggregate classification (germline): Uncertain significance (1 of 4 stars; one submission).

Conditions:
Neurofibromatosis, type 1 (NF1). Also called: Peripheral type neurofibromatosis; Neurofibromatosis, type I; VON RECKLINGHAUSEN DISEASE; NEUROFIBROMATOSIS, TYPE I, SOMATIC. Identifiers: Orphanet 636, MedGen C0027831, MONDO:0018975, OMIM 162200. Disease mechanism: loss of function.

Submission:

Labcorp Genetics (formerly Invitae), Labcorp
Classification: Uncertain significance for Neurofibromatosis, type 1. Last evaluated: 2025-02-17. Review status: criteria provided, single submitter. Criteria: Invitae Variant Classification Sherloc (09022015). Collection method: clinical testing. Allele origin: germline.
Comment: This sequence change replaces proline, which is neutral and non-polar, with leucine, which is neutral and non-polar, at codon 1532 of the NF1 protein (p.Pro1532Leu). This variant is not present in population databases (gnomAD no frequency). This variant has not been reported in the literature in individuals affected with NF1-related conditions. ClinVar contains an entry for this variant (Variation ID: 2872317). Invitae Evidence Modeling of protein sequence and biophysical properties (such as structural, functional, and spatial information, amino acid conservation, physicochemical variation, residue mobility, and thermodynamic stability) has been performed for this missense variant. However, the output from this modeling did not meet the statistical confidence thresholds required to predict the impact of this variant on NF1 protein function. In summary, the available evidence is currently insufficient to determine the role of this variant in disease. Therefore, it has been classified as a Variant of Uncertain Significance.